The following is an entry in ClinVar:

NM_015102.5(NPHP4):c.1926G>A (p.Glu642=)

Gene: NPHP4 (nephrocystin 4; minus strand). Cytogenetic location: 1p36.31.
Variant type: single nucleotide variant.
Coding change: c.1926G>A on transcript NM_015102.5 (MANE Select); coding-DNA position 1926, G replaced by A.
Protein change: p.Glu642=; no amino-acid change (glutamic acid 642 retained).
Molecular consequence: synonymous variant. On other transcripts: non-coding transcript variant (1).
Genome position (GRCh38, 1-based): chr1:5,905,321, C>T on the plus strand (G>A on the coding strand, the complement: NPHP4 is on the minus strand). VCF-style: chr1-5905321-C-T. GRCh37 (hg19) VCF-style: chr1-5965381-C-T.
Other names: p.Glu642=; c.387G>A, p.Glu129= (NM_001291593.2); c.390G>A, p.Glu130= (NM_001291594.2).
Identifiers: ClinVar variation 95673 (VCV000095673.26), dbSNP rs12120967, ClinGen allele CA148735.

ClinVar aggregate classification (germline): Benign. Review status: criteria provided, multiple submitters, no conflicts (2 of 4 stars). 10 submissions from 9 submitters: Benign (10). Last evaluated 2026-02-04.

Conditions:
Senior-Loken syndrome 4 (SLSN4). Identifiers: Orphanet 3156, MedGen C1846979, MONDO:0011756, OMIM 606996.
Nephronophthisis 4 (NPHP4). Also called: NEPHRONOPHTHISIS 4, JUVENILE. Identifiers: Orphanet 655, MedGen C1847013, MONDO:0011752, OMIM 606966.
Nephronophthisis. Also called: Juvenile Nephronophthisis. Identifiers: Orphanet 655, MedGen C0687120, MONDO:0019005, HP:0000090.

Allele frequency attached by ClinVar (database versions not stated): 1000 Genomes Project 30x 0.08276; 1000 Genomes Project 0.08407; TOPMed 0.11270; gnomAD 0.11732 and 0.11733; ESP Exome Variant Server 0.12895; gnomAD exomes 0.13167 and 0.15519; ExAC 0.13266.
gnomAD v4.1: 244,474 of 1,612,892 alleles (15%); highest among the groups gnomAD compares: Non-Finnish European, 17%; 19,853 homozygotes.

Submissions (10):

Labcorp Genetics (formerly Invitae), Labcorp
Classification: Benign for Nephronophthisis. Last evaluated: 2026-02-04. Review status: criteria provided, single submitter. Criteria: Invitae Variant Classification Sherloc (09022015). Collection method: clinical testing. Allele origin: germline.

Blueprint Genetics
Classification: Benign. Last evaluated: 2024-11-26. Review status: criteria provided, single submitter. Criteria: ACMG Guidelines, 2015. Collection method: clinical testing. Allele origin: germline.

Mayo Clinic Laboratories, Mayo Clinic
Classification: Benign. Last evaluated: 2022-05-05. Review status: criteria provided, single submitter. Criteria: ACMG Guidelines, 2015. Collection method: clinical testing. Allele origin: germline. Observed: 159 variant alleles.

Genome-Nilou Lab
Classification: Benign for Nephronophthisis 4. Last evaluated: 2021-09-05. Review status: criteria provided, single submitter. Criteria: ACMG Guidelines, 2015. Collection method: clinical testing. Allele origin: germline. Affected: no.

GeneDx
Classification: Benign. Last evaluated: 2020-04-03. Review status: criteria provided, single submitter. Criteria: GeneDx Variant Classification Process June 2021. Collection method: clinical testing. Allele origin: germline. Affected: yes.

Illumina Laboratory Services, Illumina
Classification: Benign for Nephronophthisis 4. Last evaluated: 2018-01-13. Review status: criteria provided, single submitter. Criteria: ICSL Variant Classification Criteria 13 December 2019. Collection method: clinical testing. Allele origin: germline.
Comment: This variant was observed in the ICSL laboratory as part of a predisposition screen in an ostensibly healthy population. It had not been previously curated by ICSL or reported in the Human Gene Mutation Database (HGMD: prior to June 1st, 2018), and was therefore a candidate for classification through an automated scoring system. Utilizing variant allele frequency, disease prevalence and penetrance estimates, and inheritance mode, an automated score was calculated to assess if this variant is too frequent to cause the disease. Based on the score and internal cut-off values, a variant classified as benign is not then subjected to further curation. The score for this variant resulted in a classification of benign for this disease.

Illumina Laboratory Services, Illumina
Classification: Benign for Senior-Loken syndrome 4. Last evaluated: 2018-01-13. Review status: criteria provided, single submitter. Criteria: ICSL Variant Classification Criteria 13 December 2019. Collection method: clinical testing. Allele origin: germline.
Comment: the same text as in the submission from Illumina Laboratory Services, Illumina above.

Eurofins Ntd Llc (ga)
Classification: Benign. Last evaluated: 2013-10-01. Review status: criteria provided, single submitter. Criteria: EGL Classification Definitions 2015. Collection method: clinical testing. Allele origin: germline. Observed: 8 variant alleles, 8 heterozygotes.

Breakthrough Genomics
Classification: Benign. Review status: criteria provided, single submitter. Criteria: ACMG Guidelines, 2015. Collection method: not provided. Allele origin: germline. Inheritance: Autosomal recessive inheritance. Affected: yes.

PreventionGenetics, part of Exact Sciences
Classification: Benign. Review status: criteria provided, single submitter. Criteria: ACMG Guidelines, 2015. Collection method: clinical testing. Allele origin: germline.